The following is an entry in ClinVar:

ClinVar aggregate classification (germline): Likely benign. Review status: criteria provided, multiple submitters, no conflicts (2 of 4 stars). 2 submissions from 2 submitters: Likely benign (2). Last evaluated 2025-12-04.

Conditions:
Pheochromocytoma. Also called: MAX-Related Hereditary Paraganglioma-Pheochromocytoma Syndrome. Identifiers: Orphanet 29072, MedGen C0031511, MONDO:0008233, OMIM 171300, HP:0002666.
Paragangliomas with sensorineural hearing loss. Identifiers: MedGen C1868633.
Cowden syndrome 3 (CWS3). Identifiers: Orphanet 201, MedGen CN166604, MONDO:0014045.
Carney-Stratakis syndrome. Also called: PARAGANGLIOMA AND GASTROINTESTINAL STROMAL TUMOR. Identifiers: Orphanet 97286, MedGen C1847319, MONDO:0011740, OMIM 606864.
Pheochromocytoma/paraganglioma syndrome 1. Also called: PARAGANGLIOMATA; Glomus tumors familial 1; Paraganglioma - glomus jugulare; SDHD-Related Hereditary Paraganglioma-Pheochromocytoma Syndrome; PARAGANGLIOMAS, FAMILIAL NONCHROMAFFIN, 1; PGL 1. Identifiers: Orphanet 29072, MedGen C3494181, MONDO:0008192, OMIM 168000.

Allele frequency attached by ClinVar (database versions not stated): gnomAD exomes below 0.00001 and 0.00001; TOPMed 0.00002; gnomAD 0.00003.
gnomAD v4.1: 21 of 1,609,560 alleles (0.0013%); highest among the groups gnomAD compares: Non-Finnish European, 0.0017%; no homozygotes.

Submissions (2):

Labcorp Genetics (formerly Invitae), Labcorp
Classification: Likely benign for Carney-Stratakis syndrome; Paragangliomas with sensorineural hearing loss; Pheochromocytoma; Cowden syndrome 3. Last evaluated: 2025-12-04. Review status: criteria provided, single submitter. Criteria: Invitae Variant Classification Sherloc (09022015). Collection method: clinical testing. Allele origin: germline.

Myriad Genetics, Inc.
Classification: Likely benign for Pheochromocytoma/paraganglioma syndrome 1. Last evaluated: 2025-03-17. Review status: criteria provided, single submitter. Criteria: Myriad Autosomal Dominant, Autosomal Recessive and X-Linked Classification Criteria (2023). Collection method: clinical testing. Allele origin: unknown.
Comment: This variant is considered likely benign. This variant is intronic and is not expected to impact mRNA splicing.

NM_003002.4(SDHD):c.315-14T>C

Gene: SDHD (succinate dehydrogenase complex subunit D; plus strand). Cytogenetic location: 11q23.1.
Variant type: single nucleotide variant.
Coding change: c.315-14T>C on transcript NM_003002.4 (MANE Select); 14 bases into the intron before coding-DNA position 315, T replaced by C.
Molecular consequence: intron variant.
Genome position (GRCh38, 1-based): chr11:112,094,791, T>C. VCF-style: chr11-112094791-T-C. GRCh37 (hg19) VCF-style: chr11-111965515-T-C.
Other names: c.*13-14T>C (NM_001276506.2); c.170-14T>C (NM_001276503.2); c.198-14T>C (NM_001276504.2).
Identifiers: ClinVar variation 1652554 (VCV001652554.9), dbSNP rs1406470864, ClinGen allele CA601745967.